The following is an entry in ClinVar:

ClinVar aggregate classification (germline): Uncertain significance (1 of 4 stars; one submission).

Conditions:
Hereditary cancer-predisposing syndrome. Also called: Hereditary neoplastic syndrome; Neoplastic Syndromes, Hereditary; Tumor predisposition; Hereditary Cancer Syndrome. Identifiers: Orphanet 140162, MedGen C0027672, MeSH D009386, MONDO:0015356.

gnomAD v4.1: 1 of 1,580,570 alleles (0.000063%); highest among the groups gnomAD compares: East Asian, 0.0022%; no homozygotes.

Submission:

Ambry Genetics
Classification: Uncertain significance for Hereditary cancer-predisposing syndrome. Last evaluated: 2025-09-01. Review status: criteria provided, single submitter. Criteria: Ambry Variant Classification Scheme 2023. Collection method: clinical testing. Allele origin: germline.
Comment: The p.L871F variant (also known as c.2611C>T), located in coding exon 18 of the PDGFRA gene, results from a C to T substitution at nucleotide position 2611. The leucine at codon 871 is replaced by phenylalanine, an amino acid with highly similar properties. This amino acid position is conserved. In addition, the in silico prediction for this alteration is inconclusive. Based on the available evidence, the clinical significance of this variant remains unclear.

NM_006206.6(PDGFRA):c.2611C>T (p.Leu871Phe)

Gene: PDGFRA (platelet derived growth factor receptor alpha; plus strand). Cytogenetic location: 4q12.
Variant type: single nucleotide variant.
Coding change: c.2611C>T on transcript NM_006206.6 (MANE Select); coding-DNA position 2611, C replaced by T.
Protein change: p.Leu871Phe; replaces leucine 871 with phenylalanine.
Molecular consequence: missense variant.
Genome position (GRCh38, 1-based): chr4:54,287,478, C>T. VCF-style: chr4-54287478-C-T. GRCh37 (hg19) VCF-style: chr4-55153645-C-T.
Other names: c.2686C>T, p.Leu896Phe (NM_001347828.2); c.2611C>T, p.Leu871Phe (NM_001347829.2); c.2650C>T, p.Leu884Phe (NM_001347830.2); short protein forms L884F, L896F, L871F.
Identifiers: ClinVar variation 4134017 (VCV004134017.1).